The following is an entry in ClinVar:

NM_033305.3(VPS13A):c.1038del (p.Arg346fs)

Gene: VPS13A (vacuolar protein sorting 13 homolog A; plus strand). Cytogenetic location: 9q21.2.
Variant type: Deletion.
Coding change: c.1038del on transcript NM_033305.3 (MANE Select); coding-DNA position 1038, one base deleted (G; older notation c.1038delG).
Protein change: p.Arg346fs; shifts the reading frame from arginine 346.
Molecular consequence: frameshift variant.
Genome position (GRCh38, 1-based): chr9:77,221,233, G deleted; the last of 2 consecutive G bases (chr9:77,221,232-77,221,233); deleting either gives the same sequence. VCF-style (leftmost placement, unchanged base first): chr9-77221231-AG-A. GRCh37 (hg19) VCF-style: chr9-79836147-AG-A.
Other names: c.1038del, p.Arg346fs (NM_001018037.2, NM_001018038.3, NM_015186.4); short protein forms R346fs.
Identifiers: ClinVar variation 4816374 (VCV004816374.1).
Genomic context (GRCh38, chr9:77,221,231, plus strand): 5'-CTTTTTTTAACTAGGTGGGCTTATGCTATACATGGCGTTCTTGAAGTAAATGTTTGCCCC[AG>A]GTTATGGATGTGGTCATGGAAGCATATTAGAAAACATAGGCAAAAAGTGAAGCAATATAA-3'

ClinVar aggregate classification (germline): Likely pathogenic (1 of 4 stars; one submission).

Conditions:
VPS13A-related neurodegenerative disease. Also called: LEVINE-CRITCHLEY SYNDROME; Choreoacanthocytosis; Chorea-acanthocytosis; ACANTHOCYTOSIS WITH NEUROLOGIC DISORDER; VPS13A Disease; Choreaacanthocytosis. Identifiers: Orphanet 2388, MedGen C0393576, MONDO:0008695, OMIM 200150.

Submission:

Natera, Inc.
Classification: Likely pathogenic for Choreaacanthocytosis. Last evaluated: 2025-08-18. Review status: criteria provided, single submitter. Criteria: Natera Variant Classification Schema (03/2026). Collection method: clinical testing. Allele origin: germline.
Comment: The c.1038del variant in VPS13A is a frameshift variant predicted to shift the reading frame beginning at codon 346 and leads to a stop codon 17 codons downstream. This variant is expected to result in nonsense mediated decay, truncation, or a dysfunctional protein product. This variant is rare in the general population with a frequency below the threshold expected for the associated phenotype(s). Given the available evidence, this variant is classified as Likely Pathogenic.